The following is an entry in ClinVar:

ClinVar aggregate classification (germline): Likely benign (1 of 4 stars; one submission).

Submission:

GeneDx
Classification: Likely benign. Last evaluated: 2021-05-23. Review status: criteria provided, single submitter. Criteria: GeneDx Variant Classification Process June 2021. Collection method: clinical testing. Allele origin: germline. Affected: yes.
Comment: See Variant Classification Assertion Criteria.

NM_014633.5(CTR9):c.2728-109del

Gene: CTR9 (CTR9 homolog, Paf1/RNA polymerase II complex component; plus strand). Cytogenetic location: 11p15.4.
Variant type: Deletion.
Coding change: c.2728-109del on transcript NM_014633.5 (MANE Select); 109 bases into the intron before coding-DNA position 2728, one base deleted (A; older notation c.2728-109delA).
Molecular consequence: intron variant.
Genome position (GRCh38, 1-based): chr11:10,773,903, A deleted; the last of 19 consecutive A bases (chr11:10,773,885-10,773,903); deleting any one gives the same sequence. VCF-style (leftmost placement, unchanged base first): chr11-10773884-CA-C. GRCh37 (hg19) VCF-style: chr11-10795431-CA-C.
Other names: c.2656-109del (NM_001346279.2).
Identifiers: ClinVar variation 1804630 (VCV001804630.1), dbSNP rs11386264, ClinGen allele CA217712502.
Genomic context (GRCh38, chr11:10,773,884, plus strand): 5'-GCAGTGAGCCGAGATTGCCCCACTGCACTCTCGCCTGGGCAAAAGAGTGAGACTTCATCT[CA>C]AAAAAAAAAAAAAAAAAATCCTTCATTGTCAAATGACAATGGATATGGCCCCTTTCTGTA-3'